The following is an entry in ClinVar:

NM_004960.4(FUS):c.1156C>A (p.Arg386=)

Gene: FUS (FUS RNA binding protein; plus strand). Cytogenetic location: 16p11.2.
Variant type: single nucleotide variant.
Coding change: c.1156C>A on transcript NM_004960.4 (MANE Select); coding-DNA position 1156, C replaced by A.
Protein change: p.Arg386=; no amino-acid change (arginine 386 retained).
Molecular consequence: synonymous variant. On other transcripts: non-coding transcript variant (1).
Genome position (GRCh38, 1-based): chr16:31,190,129, C>A. VCF-style: chr16-31190129-C-A. GRCh37 (hg19) VCF-style: chr16-31201450-C-A.
Other names: c.1153C>A, p.Arg385= (NM_001170634.1); c.1144C>A, p.Arg382= (NM_001170937.1).
Identifiers: ClinVar variation 318990 (VCV000318990.22), dbSNP rs61733965, ClinGen allele CA8023945.

ClinVar aggregate classification (germline): Benign/Likely benign. Review status: criteria provided, multiple submitters, no conflicts (2 of 4 stars). 6 submissions from 6 submitters: Benign (3); Likely benign (2). 1 of the submissions does not count toward it. Last evaluated 2026-02-02.

Conditions:
FUS-related disorder. Also called: FUS-related condition.
Amyotrophic lateral sclerosis type 6. Also called: FUS-Related Amyotrophic Laterial Sclerosis; AMYOTROPHIC LATERAL SCLEROSIS 6 WITHOUT FRONTOTEMPORAL DEMENTIA; Amyotrophic lateral sclerosis 6, with or without frontotemporal dementia. Identifiers: Orphanet 275872, Orphanet 803, MedGen C2931786, MONDO:0011951, OMIM 608030.
Tremor, hereditary essential, 4 (ETM4). Identifiers: MedGen C3539195, MONDO:0013888, OMIM 614782.

Allele frequency attached by ClinVar (database versions not stated): gnomAD exomes 0.00129 and 0.00365; ExAC 0.00458; 1000 Genomes Project 0.01358; gnomAD 0.01391 and 0.01496; TOPMed 0.01568; 1000 Genomes Project 30x 0.01577; ESP Exome Variant Server 0.01708.
gnomAD v4.1: 4,078 of 1,613,930 alleles (0.25%); highest among the groups gnomAD compares: African/African-American, 4.9%; 90 homozygotes.

Submissions (6):

Labcorp Genetics (formerly Invitae), Labcorp
Classification: Benign for Tremor, hereditary essential, 4; Amyotrophic lateral sclerosis type 6. Last evaluated: 2026-02-02. Review status: criteria provided, single submitter. Criteria: Invitae Variant Classification Sherloc (09022015). Collection method: clinical testing. Allele origin: germline.

GeneDx
Classification: Likely benign. Last evaluated: 2020-10-06. Review status: criteria provided, single submitter. Criteria: GeneDx Variant Classification Process June 2021. Collection method: clinical testing. Allele origin: germline. Affected: yes.

Illumina Laboratory Services, Illumina
Classification: Benign for Amyotrophic lateral sclerosis type 6. Last evaluated: 2018-01-13. Review status: criteria provided, single submitter. Criteria: ICSL Variant Classification Criteria 13 December 2019. Collection method: clinical testing. Allele origin: germline.
Comment: This variant was observed in the ICSL laboratory as part of a predisposition screen in an ostensibly healthy population. It had not been previously curated by ICSL or reported in the Human Gene Mutation Database (HGMD: prior to June 1st, 2018), and was therefore a candidate for classification through an automated scoring system. Utilizing variant allele frequency, disease prevalence and penetrance estimates, and inheritance mode, an automated score was calculated to assess if this variant is too frequent to cause the disease. Based on the score and internal cut-off values, a variant classified as benign is not then subjected to further curation. The score for this variant resulted in a classification of benign for this disease.

Athena Diagnostics
Classification: Benign. Last evaluated: 2017-12-19. Review status: criteria provided, single submitter. Criteria: Athena Diagnostics Criteria. Collection method: clinical testing. Allele origin: germline.

Breakthrough Genomics
Classification: Likely benign. Review status: criteria provided, single submitter. Criteria: ACMG Guidelines, 2015. Collection method: not provided. Allele origin: germline. Inheritance: Autosomal dominant inheritance. Affected: yes.

PreventionGenetics, part of Exact Sciences
Classification: Benign for FUS-related condition. Last evaluated: 2019-03-20. Review status: no assertion criteria provided. Collection method: clinical testing. Allele origin: germline. Not counted in ClinVar's aggregate classification.
Comment: This variant is classified as benign based on ACMG/AMP sequence variant interpretation guidelines (Richards et al. 2015 PMID: 25741868, with internal and published modifications).

Literature cited by the submitters: PubMed 21261515 (cited by Athena Diagnostics).